The following is an entry in ClinVar:

ClinVar aggregate classification (germline): Uncertain significance. Review status: criteria provided, multiple submitters, no conflicts (2 of 4 stars). 2 submissions from 2 submitters: Uncertain significance (2). Last evaluated 2024-05-09.

Conditions:
Long QT syndrome (LQTS). Identifiers: MedGen C0023976, MeSH D008133, MONDO:0002442. Disease mechanism: loss of function. Inheritance: Various modes of inheritance.

gnomAD v4.1: 4 of 1,524,304 alleles (0.00026%); highest among the groups gnomAD compares: Non-Finnish European, 0.00035%; no homozygotes.

Submissions (2):

All of Us Research Program, National Institutes of Health
Classification: Uncertain significance for Long QT syndrome. Last evaluated: 2024-05-09. Review status: criteria provided, single submitter. Criteria: ACMG Guidelines, 2015. Collection method: clinical testing. Allele origin: germline. Inheritance: Autosomal dominant inheritance. Observed: 1 variant allele, 1 heterozygote.
Comment: This study involves interpretation of variants in research participants for the purpose of population health screening. Participant phenotype was not available at the time of variant classification. Additional details can be found in publication PMID: 35346344, PMCID: PMC8962531

Revvity Omics, Revvity
Classification: Uncertain significance. Last evaluated: 2020-12-04. Review status: criteria provided, single submitter. Criteria: ACMG Guidelines, 2015. Collection method: clinical testing. Allele origin: germline.

NM_000238.4(KCNH2):c.2738C>A (p.Ala913Glu)

Gene: KCNH2 (potassium voltage-gated channel subfamily H member 2; minus strand). Cytogenetic location: 7q36.1.
Variant type: single nucleotide variant.
Coding change: c.2738C>A on transcript NM_000238.4 (MANE Select); coding-DNA position 2738, C replaced by A.
Protein change: p.Ala913Glu; replaces alanine 913 with glutamic acid.
Molecular consequence: missense variant.
Genome position (GRCh38, 1-based): chr7:150,947,833, G>T on the plus strand (C>A on the coding strand, the complement: KCNH2 is on the minus strand). VCF-style: chr7-150947833-G-T. GRCh37 (hg19) VCF-style: chr7-150644921-G-T.
Other names: c.2450C>A, p.Ala817Glu (NM_001406753.1); c.1718C>A, p.Ala573Glu (NM_172057.3); short protein forms A573E, A817E, A913E.
Identifiers: ClinVar variation 2432997 (VCV002432997.4), dbSNP rs77331749, ClinGen allele CA369853488.